The following is an entry in ClinVar:

NM_000548.5(TSC2):c.148A>G (p.Met50Val)

Gene: TSC2 (TSC complex subunit 2; plus strand). Cytogenetic location: 16p13.3.
Variant type: single nucleotide variant.
Coding change: c.148A>G on transcript NM_000548.5 (MANE Select); coding-DNA position 148, A replaced by G.
Protein change: p.Met50Val; replaces methionine 50 with valine.
Molecular consequence: missense variant. On other transcripts: initiator codon variant (1), 5 prime UTR variant (1).
Genome position (GRCh38, 1-based): chr16:2,050,409, A>G. VCF-style: chr16-2050409-A-G. GRCh37 (hg19) VCF-style: chr16-2100410-A-G.
Other names: c.148A>G, p.Met50Val (NM_001077183.3, NM_001114382.3, NM_001318827.2 and 4 more transcripts); c.1A>G, p.Met1Val (NM_001318829.2); c.-79A>G (NM_001318831.2); c.181A>G, p.Met61Val (NM_001318832.2); c.148A>G (NM_000548.4); short protein forms M50V, M61V, M1V.
Identifiers: ClinVar variation 237966 (VCV000237966.30), dbSNP rs140618379, ClinGen allele CA030828.
Genomic context (GRCh38, chr16:2,050,409, plus strand): 5'-GAGACCGTGGCCTGAGCACTGGCCCCTTTTTCTTCTTTCATCTCTCTCCAGGAACTGAGC[A>G]TGGAATGTGGCCTCAACAATCGCATCCGGATGATAGGGCAGATTTGTGAAGTCGCAAAAA-3'
Protein context (NP_000539.2, residues 40-60): ITAEILRELS[Met50Val]ECGLNNRIRM

ClinVar aggregate classification (germline): Conflicting classifications of pathogenicity. Review status: criteria provided, conflicting classifications (1 of 4 stars). 10 submissions from 10 submitters: Uncertain significance (1); Benign (3); Likely benign (6). Last evaluated 2026-01-18.

Conditions:
Hereditary cancer-predisposing syndrome. Also called: Tumor predisposition; Hereditary Cancer Syndrome; Hereditary neoplastic syndrome; Neoplastic Syndromes, Hereditary. Identifiers: Orphanet 140162, MedGen C0027672, MeSH D009386, MONDO:0015356.
Tuberous sclerosis syndrome (TSC). Also called: Tuberous Sclerosis Complex; Tuberous sclerosis. Identifiers: Orphanet 805, MedGen C0041341, MONDO:0001734.
Tuberous sclerosis 2 (TSC2). Identifiers: Orphanet 805, MedGen C1860707, MONDO:0013199, OMIM 613254.
Hypertrophic cardiomyopathy 7. Also called: CARDIOMYOPATHY, FAMILIAL HYPERTROPHIC, 7, MODIFIER OF; TNNI3-Related Familial Hypertrophic Cardiomyopathy; Familial hypertrophic cardiomyopathy 7. Identifiers: MedGen C1860752, MONDO:0013369, OMIM 613690.

Allele frequency attached by ClinVar (database versions not stated): gnomAD exomes 0.00004; ExAC 0.00005; TOPMed 0.00013; gnomAD 0.00017 and 0.00018; ESP Exome Variant Server 0.00023.
gnomAD v4.1: 47 of 1,613,904 alleles (0.0029%); highest among the groups gnomAD compares: African/African-American, 0.055%; no homozygotes.

Submissions (10):

Labcorp Genetics (formerly Invitae), Labcorp
Classification: Benign for Tuberous sclerosis 2. Last evaluated: 2026-01-18. Review status: criteria provided, single submitter. Criteria: Invitae Variant Classification Sherloc (09022015). Collection method: clinical testing. Allele origin: germline.

Johns Hopkins Genomics, Johns Hopkins University
Classification: Likely benign for Hypertrophic cardiomyopathy 7. Last evaluated: 2025-05-15. Review status: criteria provided, single submitter. Criteria: ACMG Guidelines, 2015. Collection method: clinical testing. Allele origin: germline.
Comment: This variant is classified as likely benign (PM2, BS2_supporting, BP4).

All of Us Research Program, National Institutes of Health
Classification: Likely benign for Tuberous sclerosis syndrome. Last evaluated: 2024-09-23. Review status: criteria provided, single submitter. Criteria: ACMG Guidelines, 2015. Collection method: clinical testing. Allele origin: germline. Inheritance: Autosomal dominant inheritance. Observed: 12 variant alleles, 12 heterozygotes.
Comment: This study involves interpretation of variants in research participants for the purpose of population health screening. Participant phenotype was not available at the time of variant classification. Additional details can be found in publication PMID: 35346344, PMCID: PMC8962531

Myriad Genetics, Inc.
Classification: Likely benign for Tuberous sclerosis 2. Last evaluated: 2024-08-13. Review status: criteria provided, single submitter. Criteria: Myriad Autosomal Dominant, Autosomal Recessive and X-Linked Classification Criteria (2023). Collection method: clinical testing. Allele origin: unknown.
Comment: This variant is considered likely benign. This variant has been observed at a population frequency that is significantly greater than expected given the associated disease prevalence and penetrance.

Color Diagnostics, LLC DBA Color Health
Classification: Likely benign for Tuberous sclerosis syndrome. Last evaluated: 2022-09-08. Review status: criteria provided, single submitter. Criteria: ACMG Guidelines, 2015. Collection method: clinical testing. Allele origin: germline.

Genome-Nilou Lab
Classification: Benign for Tuberous sclerosis 2. Last evaluated: 2021-11-07. Review status: criteria provided, single submitter. Criteria: ACMG Guidelines, 2015. Collection method: clinical testing. Allele origin: germline. Affected: no.

Ambry Genetics
Classification: Likely benign for Hereditary cancer-predisposing syndrome. Last evaluated: 2021-06-22. Review status: criteria provided, single submitter. Criteria: Ambry Variant Classification Scheme 2023. Collection method: clinical testing. Allele origin: germline.

GeneDx
Classification: Benign. Last evaluated: 2020-04-30. Review status: criteria provided, single submitter. Criteria: GeneDx Variant Classification Process June 2021. Collection method: clinical testing. Allele origin: germline. Affected: yes.
Comment: This variant is associated with the following publications: (PMID: 29625052, 21624971, 23514105)

Eurofins Ntd Llc (ga)
Classification: Uncertain significance. Last evaluated: 2016-07-19. Review status: criteria provided, single submitter. Criteria: EGL Classification Definitions 2015. Collection method: clinical testing. Allele origin: germline. Observed: 1 variant allele, 1 heterozygote.

PreventionGenetics, part of Exact Sciences
Classification: Likely benign. Review status: criteria provided, single submitter. Criteria: ACMG Guidelines, 2015. Collection method: clinical testing. Allele origin: germline.

Literature cited by the submitters: PubMed 32953421 (cited by Johns Hopkins Genomics, Johns Hopkins University).